The following is an entry in ClinVar:

ClinVar aggregate classification (germline): Likely benign. Review status: criteria provided, multiple submitters, no conflicts (2 of 4 stars). 2 submissions from 2 submitters: Likely benign (2). Last evaluated 2022-10-30.

Conditions:
Melnick-Needles syndrome (MNS). Also called: MELNICK-NEEDLES OSTEODYSPLASTY; Melnick-Needles Syndrome (FLNA-MNS); OSTEODYSPLASTY OF MELNICK AND NEEDLES. Identifiers: Orphanet 2484, MedGen C0025237, MONDO:0010650, OMIM 309350.
Frontometaphyseal dysplasia (FMD1). Identifiers: Orphanet 1826, MedGen C0265293, MONDO:0015942.
Heterotopia, periventricular, X-linked dominant (PVNH1). Also called: PERIVENTRICULAR NODULAR HETEROTOPIA 4; HETEROTOPIA, PERIVENTRICULAR, 1; PERIVENTRICULAR NODULAR HETEROTOPIA 1; X-linked periventricular heterotopia. Identifiers: Orphanet 2149, Orphanet 82004, MedGen C1848213, MONDO:0010233, OMIM 300049.
Oto-palato-digital syndrome, type II (OPD2). Also called: Otopalatodigital Syndrome Type 2 (FLNA-OPD2); FACIOPALATOOSSEOUS SYNDROME; OPD II SYNDROME; Otopalatodigital Syndrome, Type II. Identifiers: Orphanet 669, Orphanet 90652, MedGen C1844696, MONDO:0010571, OMIM 304120.

Submissions (2):

Labcorp Genetics (formerly Invitae), Labcorp
Classification: Likely benign for Oto-palato-digital syndrome, type II; Heterotopia, periventricular, X-linked dominant; Frontometaphyseal dysplasia; Melnick-Needles syndrome. Last evaluated: 2022-10-30. Review status: criteria provided, single submitter. Criteria: Invitae Variant Classification Sherloc (09022015). Collection method: clinical testing. Allele origin: germline.

GeneDx
Classification: Likely benign. Last evaluated: 2017-12-01. Review status: criteria provided, single submitter. Criteria: GeneDx Variant Classification (06012015). Collection method: clinical testing. Allele origin: germline. Affected: yes.
Comment: This variant is considered likely benign or benign based on one or more of the following criteria: it is a conservative change, it occurs at a poorly conserved position in the protein, it is predicted to be benign by multiple in silico algorithms, and/or has population frequency not consistent with disease.

NM_001110556.2(FLNA):c.3208-9T>C

Gene: FLNA (filamin A; minus strand). Cytogenetic location: Xq28.
Variant type: single nucleotide variant.
Coding change: c.3208-9T>C on transcript NM_001110556.2 (MANE Select); 9 bases into the intron before coding-DNA position 3208, T replaced by C.
Molecular consequence: intron variant.
Genome position (GRCh38, 1-based): chrX:154,360,596, A>G on the plus strand (T>C on the coding strand, the complement: FLNA is on the minus strand). VCF-style: chrX-154360596-A-G. GRCh37 (hg19) VCF-style: chrX-153588964-A-G.
Other names: c.3208-9T>C (NM_001456.4).
Identifiers: ClinVar variation 513761 (VCV000513761.4), dbSNP rs1557177816, ClinGen allele CA658799923.